The following is an entry in ClinVar:

ClinVar aggregate classification (germline): Likely benign. Review status: criteria provided, multiple submitters, no conflicts (2 of 4 stars). 3 submissions from 3 submitters: Likely benign (3). Last evaluated 2025-02-14.

Conditions:
Combined oxidative phosphorylation defect type 17. Also called: Combined oxidative phosphorylation deficiency 17. Identifiers: Orphanet 369913, MedGen C3809526, MONDO:0014190, OMIM 615440.

Allele frequency attached by ClinVar (database versions not stated): gnomAD 0.00001; TOPMed 0.00001; ExAC 0.00005.
gnomAD v4.1: 35 of 1,614,200 alleles (0.0022%); highest among the groups gnomAD compares: South Asian, 0.023%; 1 homozygote.

Submissions (3):

Labcorp Genetics (formerly Invitae), Labcorp
Classification: Likely benign for Combined oxidative phosphorylation defect type 17. Last evaluated: 2025-02-14. Review status: criteria provided, single submitter. Criteria: Invitae Variant Classification Sherloc (09022015). Collection method: clinical testing. Allele origin: germline.

Blueprint Genetics
Classification: Likely benign. Last evaluated: 2024-11-21. Review status: criteria provided, single submitter. Criteria: ACMG Guidelines, 2015. Collection method: clinical testing. Allele origin: germline.

CeGaT Center for Human Genetics Tuebingen
Classification: Likely benign. Last evaluated: 2024-11-01. Review status: criteria provided, single submitter. Criteria: CeGaT Center For Human Genetics Tuebingen Variant Classification Criteria Version 2. Collection method: clinical testing. Allele origin: germline. Affected: yes. Observed: 2 variant alleles.
Comment: ELAC2: BP4, BP7

NM_018127.7(ELAC2):c.537A>C (p.Thr179=)

Gene: ELAC2 (elaC ribonuclease Z 2; minus strand). Cytogenetic location: 17p12.
Variant type: single nucleotide variant.
Coding change: c.537A>C on transcript NM_018127.7 (MANE Select); coding-DNA position 537, A replaced by C.
Protein change: p.Thr179=; no amino-acid change (threonine 179 retained).
Molecular consequence: synonymous variant.
Genome position (GRCh38, 1-based): chr17:13,013,229, T>G on the plus strand (A>C on the coding strand, the complement: ELAC2 is on the minus strand). VCF-style: chr17-13013229-T-G. GRCh37 (hg19) VCF-style: chr17-12916546-T-G.
Other names: c.537A>C, p.Thr179= (NM_001165962.2, NM_173717.2).
Identifiers: ClinVar variation 1013384 (VCV001013384.44), dbSNP rs755930395, ClinGen allele CA8401609.